The following is an entry in ClinVar:

ClinVar aggregate classification (germline): Pathogenic/Likely pathogenic. Review status: criteria provided, multiple submitters, no conflicts (2 of 4 stars). 5 submissions from 4 submitters: Pathogenic (3); Likely pathogenic (2). Last evaluated 2024-05-25.

Conditions:
Hypogonadotropic hypogonadism 7 with or without anosmia (HH7). Also called: HYPOGONADOTROPIC HYPOGONADISM 7 WITHOUT ANOSMIA; GNRHR-Related GnRH Deficiency. Identifiers: Orphanet 432, MedGen C0342384, MONDO:0007794, OMIM 146110.
Delayed puberty. Identifiers: MedGen C0034012, HP:0000823.
Hypogonadotropic hypogonadism 1 with or without anosmia (HH1). Also called: DYSPLASIA OLFACTOGENITALIS OF DE MORSIER; HYPOGONADOTROPIC HYPOGONADISM AND ANOSMIA; HYPOGONADOTROPIC HYPOGONADISM 1 WITH ANOSMIA; KAL1-Related GnRH Deficiency (Kallmann Syndrome 1; Kallmann Syndrome, X-Linked); Kallmann syndrome, type 1, X-linked; Hypogonadotropic hypogonadism 1 with or without anosmia (Kallmann syndrome 1). Identifiers: Orphanet 478, MedGen C1563719, MONDO:0010635, OMIM 308700. Disease mechanism: loss of function.

Submissions (5):

Fulgent Genetics
Classification: Pathogenic for Hypogonadotropic hypogonadism 1 with or without anosmia. Last evaluated: 2024-05-25. Review status: criteria provided, single submitter. Criteria: ACMG Guidelines, 2015. Collection method: clinical testing. Allele origin: germline.

Labcorp Genetics (formerly Invitae), Labcorp
Classification: Pathogenic for Hypogonadotropic hypogonadism 1 with or without anosmia. Last evaluated: 2024-02-12. Review status: criteria provided, single submitter. Criteria: Invitae Variant Classification Sherloc (09022015). Collection method: clinical testing. Allele origin: germline.
Comment: This sequence change creates a premature translational stop signal (p.Arg457*) in the ANOS1 gene. It is expected to result in an absent or disrupted protein product. Loss-of-function variants in ANOS1 are known to be pathogenic (PMID: 8504298, 11297579). This variant is not present in population databases (gnomAD no frequency). This premature translational stop signal has been observed in individual(s) with Kallman syndrome (PMID: 11297579, 23643382). ClinVar contains an entry for this variant (Variation ID: 180157). Algorithms developed to predict the effect of sequence changes on RNA splicing suggest that this variant may disrupt the consensus splice site. For these reasons, this variant has been classified as Pathogenic.

Institute of Human Genetics, FAU Erlangen, Friedrich-Alexander-Universität Erlangen-Nürnberg
Classification: Pathogenic for Hypogonadotropic hypogonadism 1 with or without anosmia. Last evaluated: 2023-11-27. Review status: criteria provided, single submitter. Criteria: Hauer et al. (Genet Med. 2018). Collection method: clinical testing. Allele origin: germline. Inheritance: Autosomal dominant inheritance. Affected: yes. Observed: 1 variant allele.
Comment: This variant has been identified by standard clinical testing. Selected ACMG criteria: Pathogenic (I):PM2;PS2;PVS1

Chan Lab, Boston Children's Hospital
Classification: Likely pathogenic for Hypogonadotrophic hypogonadism. Last evaluated: 2014-11-01. Review status: criteria provided, single submitter. Criteria: Submitter's publication. Collection method: case-control. Allele origin: maternal. Affected: yes. Observed: 1 variant allele.

Chan Lab, Boston Children's Hospital
Classification: Likely pathogenic for Delayed puberty. Last evaluated: 2014-11-01. Review status: criteria provided, single submitter. Criteria: Submitter's publication. Collection method: case-control. Allele origin: maternal. Affected: yes. Observed: 2 variant alleles.

Literature cited by the submitters: PubMed 8504298 (cited by Labcorp Genetics (formerly Invitae), Labcorp); PubMed 11297579 (cited by Labcorp Genetics (formerly Invitae), Labcorp); PubMed 23643382 (cited by Labcorp Genetics (formerly Invitae), Labcorp).

NM_000216.4(ANOS1):c.1369C>T (p.Arg457Ter)

Gene: ANOS1 (anosmin 1; minus strand). Cytogenetic location: Xp22.31.
Variant type: single nucleotide variant.
Coding change: c.1369C>T on transcript NM_000216.4 (MANE Select); coding-DNA position 1369, C replaced by T.
Protein change: p.Arg457Ter; replaces arginine 457 with a stop codon.
Molecular consequence: nonsense.
Genome position (GRCh38, 1-based): chrX:8,539,744, G>A on the plus strand (C>T on the coding strand, the complement: ANOS1 is on the minus strand). VCF-style: chrX-8539744-G-A. GRCh37 (hg19) VCF-style: chrX-8507785-G-A.
Other names: short protein forms R457*.
Identifiers: ClinVar variation 180157 (VCV000180157.7), dbSNP rs727505374, ClinGen allele CA185889.